The following is an entry in ClinVar:

ClinVar aggregate classification (germline): Likely pathogenic (1 of 4 stars; one submission).

Conditions:
Hyperammonemia, type III (NAGSD). Also called: Hyperammonemia due to N-acetylglutamate synthase deficiency. Identifiers: Orphanet 927, MedGen C0268543, MONDO:0009377, OMIM 237310.

Submission:

Molecular Genetics Department, Kulakov National Medical Research Center for Obstetrics, Gynecology and Perinatology
Classification: Likely pathogenic for Hyperammonemia, type III. Review status: criteria provided, single submitter. Criteria: ACMG Guidelines, 2015. Collection method: clinical testing. Allele origin: germline. Affected: yes. Observed: 1 variant allele.
Comment: A previously undescribed heterozygous nucleotide variant creates a frameshift p.Ser280CysfsTer28 in the NAGS gene. Homozygous and compound heterozygous variants are reported in patients with n-acetylglutamate synthase deficiency, 237310. The variant is not present in population database (gnomAD no frequency). The variant was found with the variant NAGS NM_153006.3:c.60_61del (trans was not confirmed). In summary, the currently available evidence indicates that the variant is pathogenic, but additional data are needed to prove that conclusively. Therefore, this variant has been classified as likely pathogenic.

NM_153006.3(NAGS):c.839del (p.Ser280fs)

Gene: NAGS (N-acetylglutamate synthase; plus strand). Cytogenetic location: 17q21.31.
Variant type: Deletion.
Coding change: c.839del on transcript NM_153006.3 (MANE Select); coding-DNA position 839, one base deleted (C; older notation c.839delC).
Protein change: p.Ser280fs; shifts the reading frame from serine 280.
Molecular consequence: frameshift variant.
Genome position (GRCh38, 1-based): chr17:44,006,161, C deleted. VCF-style (leftmost placement, unchanged base first): chr17-44006160-TC-T. GRCh37 (hg19) VCF-style: chr17-42083528-TC-T.
Other names: short protein forms S280fs.
Identifiers: ClinVar variation 4294521 (VCV004294521.1).